The following is an entry in ClinVar:

ClinVar aggregate classification (germline): Uncertain significance (1 of 4 stars; one submission).

Submission:

GeneDx
Classification: Uncertain significance. Last evaluated: 2025-03-02. Review status: criteria provided, single submitter. Criteria: GeneDx Variant Classification Process June 2021. Collection method: clinical testing. Allele origin: germline. Affected: yes.
Comment: Not observed at significant frequency in large population cohorts (gnomAD); In silico analysis supports that this missense variant has a deleterious effect on protein structure/function; Has not been previously published as pathogenic or benign to our knowledge

NM_015557.3(CHD5):c.3430A>G (p.Met1144Val)

Gene: CHD5 (chromodomain helicase DNA binding protein 5; minus strand). Cytogenetic location: 1p36.31.
Variant type: single nucleotide variant.
Coding change: c.3430A>G on transcript NM_015557.3 (MANE Select); coding-DNA position 3430, A replaced by G.
Protein change: p.Met1144Val; replaces methionine 1144 with valine.
Molecular consequence: missense variant.
Genome position (GRCh38, 1-based): chr1:6,129,027, T>C on the plus strand (A>G on the coding strand, the complement: CHD5 is on the minus strand). VCF-style: chr1-6129027-T-C. GRCh37 (hg19) VCF-style: chr1-6189087-T-C.
Other names: short protein forms M1144V.
Identifiers: ClinVar variation 4082706 (VCV004082706.1).